The following is an entry in ClinVar:

NM_012452.3(TNFRSF13B):c.515G>A (p.Cys172Tyr)

Gene: TNFRSF13B (TNF receptor superfamily member 13B; minus strand). Cytogenetic location: 17p11.2.
Variant type: single nucleotide variant.
Coding change: c.515G>A on transcript NM_012452.3 (MANE Select); coding-DNA position 515, G replaced by A.
Protein change: p.Cys172Tyr; replaces cysteine 172 with tyrosine.
Molecular consequence: missense variant.
Genome position (GRCh38, 1-based): chr17:16,940,442, C>T on the plus strand (G>A on the coding strand, the complement: TNFRSF13B is on the minus strand). VCF-style: chr17-16940442-C-T. GRCh37 (hg19) VCF-style: chr17-16843756-C-T.
Other names: short protein forms C172Y.
Identifiers: ClinVar variation 449548 (VCV000449548.59), dbSNP rs751216929, ClinGen allele CA8413966.

ClinVar aggregate classification (germline): Conflicting classifications of pathogenicity. Review status: criteria provided, conflicting classifications (1 of 4 stars). 9 submissions from 9 submitters: Likely pathogenic (1); Uncertain significance (8). Last evaluated 2026-04-22.

Conditions:
Immunodeficiency, common variable, 2 (CVID2). Also called: HYPOGAMMAGLOBULINEMIA DUE TO TACI DEFICIENCY; ANTIBODY DEFICIENCY DUE TO TACI DEFECT. Identifiers: Orphanet 1572, MedGen C3150354, MONDO:0009413, OMIM 240500.
TNFRSF13B-related disorder. Also called: TNFRSF13B-related condition.

Allele frequency attached by ClinVar (database versions not stated): gnomAD exomes 0.00017 and 0.00018; ExAC 0.00019; gnomAD 0.00019 and 0.00020; TOPMed 0.00016.
gnomAD v4.1: 283 of 1,613,864 alleles (0.018%); highest among the groups gnomAD compares: Middle Eastern, 0.12%; 1 homozygote.

Submissions (9):

PreventionGenetics, part of Exact Sciences
Classification: Uncertain significance for TNFRSF13B-related condition. Last evaluated: 2026-04-22. Review status: criteria provided, single submitter. Criteria: ACMG Guidelines, 2015. Collection method: clinical testing. Allele origin: germline.
Comment: The TNFRSF13B c.515G>A variant is predicted to result in the amino acid substitution p.Cys172Tyr. This variant has been reported in the heterozygous state in multiple individuals with autosomal dominant common variable immunodeficiency (CVID) (Zhang et al. 2007. PubMed ID: 17983875; Mohammadi et al. 2009. PubMed ID: 19629655; Pulvirenti et al. 2016. PubMed ID: 27123465; Rojas-Restrepo et al. 2021. PubMed ID: 34975878) but, to our knowledge, has not been reported in association with autosomal recessive CVID. In vitro experimental studies have shown this variant does not alter cell-surface protein expression or ligand binding affinity but does lead to a complete loss of downstream signaling activity and a lack of B cell proliferation (Zhang et al. 2007. PubMed ID: 17983875; Fried et al. 2011. PubMed ID: 21419480). Moreover, an analysis of TNFRSF13B protein structure suggested that this variant leads to a loss of function by physically disturbing the proper assembly of individual protein subunits into functional homohexamers at the cell membrane (Smulski et al. 2022. PubMed ID: 35354034). This variant is reported in 0.019% of total alleles (53 of 282,078) in gnomAD, including one homozygous individual. Taken together, although we suspect that this variant may be pathogenic, the clinical significance of this variant is uncertain at this time due to the absence of conclusive functional and genetic evidence.

GeneDx
Classification: Likely pathogenic. Last evaluated: 2025-10-09. Review status: criteria provided, single submitter. Criteria: GeneDx Variant Classification Process June 2021. Collection method: clinical testing. Allele origin: germline. Affected: yes.
Comment: Published functional studies demonstrate a damaging effect due to decreased nuclear factor kB (NF-kB) and nuclear factor of activated T cells (NFAT) activation (PMID: 21419480); In silico analysis supports that this missense variant has a deleterious effect on protein structure/function; This variant is associated with the following publications: (PMID: 17983875, 27123465, 19629655, 34426522, 33206719, 21419480, 31530980, 34573280, 34975878, 35741048, 38692308, 40518733, 40993545)

Women's Health and Genetics/Laboratory Corporation of America, LabCorp
Classification: Uncertain significance. Last evaluated: 2025-02-19. Review status: criteria provided, single submitter. Criteria: LabCorp Variant Classification Summary - May 2015. Collection method: clinical testing. Allele origin: germline.
Comment: Variant summary: TNFRSF13B c.515G>A (p.Cys172Tyr) results in a non-conservative amino acid change located in the TACI domain (IPR022317) of the encoded protein sequence. Four of five in-silico tools predict a damaging effect of the variant on protein function. The variant allele was found at a frequency of 0.00018 in 250698 control chromosomes in the gnomAD database, including 1 homozygotes. This frequency is not significantly higher than estimated for a pathogenic variant in TNFRSF13B causing Common Variable Immunodeficiency (0.00018 vs 0.0024), allowing no conclusion about variant significance. c.515G>A has been reported in the literature in individuals affected with Common Variable Immunodeficiency (Pulvirenti_2016, Mohammadi_2009, Zhang_2007). These report(s) do not provide unequivocal conclusions about association of the variant with Common Variable Immunodeficiency. To our knowledge, no experimental evidence demonstrating an impact on protein function has been reported. The following publications have been ascertained in the context of this evaluation (PMID: 27123465, 19629655, 17983875). ClinVar contains an entry for this variant (Variation ID: 449548). Based on the evidence outlined above, the variant was classified as uncertain significance.

Blueprint Genetics
Classification: Uncertain significance. Last evaluated: 2024-11-06. Review status: criteria provided, single submitter. Criteria: ACMG Guidelines, 2015. Collection method: clinical testing. Allele origin: germline.

CeGaT Center for Human Genetics Tuebingen
Classification: Uncertain significance. Last evaluated: 2024-07-01. Review status: criteria provided, single submitter. Criteria: CeGaT Center For Human Genetics Tuebingen Variant Classification Criteria Version 2. Collection method: clinical testing. Allele origin: germline. Affected: yes. Observed: 4 variant alleles.
Comment: TNFRSF13B: PS3:Moderate, PM2:Supporting

Genomic Medicine Center of Excellence, King Faisal Specialist Hospital and Research Centre
Classification: Uncertain significance for Immunodeficiency, common variable, 2. Last evaluated: 2024-03-26. Review status: criteria provided, single submitter. Criteria: ACMG Guidelines, 2015. Collection method: clinical testing. Allele origin: germline.

Labcorp Genetics (formerly Invitae), Labcorp
Classification: Uncertain significance for Immunodeficiency, common variable, 2. Last evaluated: 2022-10-31. Review status: criteria provided, single submitter. Criteria: Invitae Variant Classification Sherloc (09022015). Collection method: clinical testing. Allele origin: germline.
Comment: This sequence change replaces cysteine, which is neutral and slightly polar, with tyrosine, which is neutral and polar, at codon 172 of the TNFRSF13B protein (p.Cys172Tyr). This variant is present in population databases (rs751216929, gnomAD 0.04%). This missense change has been observed in individual(s) with TNFRSF13B-related disease (PMID: 17983875, 19629655, 27123465). ClinVar contains an entry for this variant (Variation ID: 449548). Advanced modeling of protein sequence and biophysical properties (such as structural, functional, and spatial information, amino acid conservation, physicochemical variation, residue mobility, and thermodynamic stability) performed at Invitae indicates that this missense variant is expected to disrupt TNFRSF13B protein function. Experimental studies have shown that this missense change affects TNFRSF13B function (PMID: 21419480). In summary, the available evidence is currently insufficient to determine the role of this variant in disease. Therefore, it has been classified as a Variant of Uncertain Significance.

Laboratorio de Genetica e Diagnostico Molecular, Hospital Israelita Albert Einstein
Classification: Uncertain significance for Immunodeficiency, common variable, 2. Last evaluated: 2021-02-23. Review status: criteria provided, single submitter. Criteria: ACMG Guidelines, 2015. Collection method: clinical testing. Allele origin: germline. Affected: yes.
Comment: ACMG classification criteria: PP3 supporting, BS1 strong

Breakthrough Genomics
Classification: Uncertain significance. Review status: criteria provided, single submitter. Criteria: ACMG Guidelines, 2015. Collection method: not provided. Allele origin: germline. Inheritance: Autosomal recessive inheritance. Affected: yes.

Literature cited by the submitters: PubMed 17983875 (cited by Women's Health and Genetics/Laboratory Corporation of America, LabCorp and Labcorp Genetics (formerly Invitae), Labcorp); PubMed 19629655 (cited by Women's Health and Genetics/Laboratory Corporation of America, LabCorp and Labcorp Genetics (formerly Invitae), Labcorp); PubMed 27123465 (cited by Women's Health and Genetics/Laboratory Corporation of America, LabCorp and Labcorp Genetics (formerly Invitae), Labcorp); PubMed 21419480 (cited by Labcorp Genetics (formerly Invitae), Labcorp).